The following is an entry in ClinVar:

NM_003560.4(PLA2G6):c.2035-2A>G

Gene: PLA2G6 (phospholipase A2 group VI; minus strand). Cytogenetic location: 22q13.1.
Variant type: single nucleotide variant.
Coding change: c.2035-2A>G on transcript NM_003560.4 (MANE Select); the canonical splice acceptor site of the intron before coding-DNA position 2035, A replaced by G.
Molecular consequence: splice acceptor variant.
Genome position (GRCh38, 1-based): chr22:38,113,656, T>C on the plus strand (A>G on the coding strand, the complement: PLA2G6 is on the minus strand). VCF-style: chr22-38113656-T-C. GRCh37 (hg19) VCF-style: chr22-38509663-T-C.
Other names: c.1357-2A>G (NM_001349868.2); c.1873-2A>G (NM_001349866.2, NM_001199562.3, NM_001349865.2 and 1 more transcripts); c.1339-2A>G (NM_001349869.2); c.1501-2A>G (NM_001349867.2); c.2035-2A>G (NM_001349864.2).
Identifiers: ClinVar variation 692050 (VCV000692050.4), dbSNP rs1602057157, ClinGen allele CA411524162.

ClinVar aggregate classification (germline): Pathogenic/Likely pathogenic. Review status: criteria provided, multiple submitters, no conflicts (2 of 4 stars). 2 submissions from 2 submitters: Pathogenic (1); Likely pathogenic (1). Last evaluated 2023-02-13.

Conditions:
Infantile neuroaxonal dystrophy (NBIA2A). Also called: SEITELBERGER DISEASE; NEURODEGENERATION WITH BRAIN IRON ACCUMULATION 2A; Infantile neuroaxonal dystrophy 1. Identifiers: Orphanet 35069, MedGen C0270724, MONDO:0024457, OMIM 256600.

Allele frequency attached by ClinVar (database versions not stated): TOPMed below 0.00001; gnomAD 0.00001.
gnomAD v4.1: 1 of 1,613,418 alleles (0.000062%); highest among the groups gnomAD compares: Admixed American, 0.0017%; no homozygotes.

Submissions (2):

Labcorp Genetics (formerly Invitae), Labcorp
Classification: Likely pathogenic for Infantile neuroaxonal dystrophy. Last evaluated: 2023-02-13. Review status: criteria provided, single submitter. Criteria: Invitae Variant Classification Sherloc (09022015). Collection method: clinical testing. Allele origin: germline.
Comment: In summary, the currently available evidence indicates that the variant is pathogenic, but additional data are needed to prove that conclusively. Therefore, this variant has been classified as Likely Pathogenic. This variant is not present in population databases (gnomAD no frequency). This sequence change affects an acceptor splice site in intron 14 of the PLA2G6 gene. It is expected to disrupt RNA splicing. Variants that disrupt the donor or acceptor splice site typically lead to a loss of protein function (PMID: 16199547), and loss-of-function variants in PLA2G6 are known to be pathogenic (PMID: 16783378, 18570303, 18799783, 22213678). This variant has not been reported in the literature in individuals affected with PLA2G6-related conditions. Algorithms developed to predict the effect of sequence changes on RNA splicing suggest that this variant may disrupt the consensus splice site. ClinVar contains an entry for this variant (Variation ID: 692050).

Rady Children's Institute for Genomic Medicine, Rady Children's Hospital San Diego
Classification: Pathogenic for Dystrophy, Infantile Neuroaxonal. Last evaluated: 2018-09-24. Review status: criteria provided, single submitter. Criteria: ACMG Guidelines, 2015. Collection method: clinical testing. Allele origin: germline. Affected: yes. Observed: 1 variant allele.
Comment: This variant affects the canonical splice acceptor site of intron 14 out of 16, and is therefore predicted to interfere with splicing and result in loss of normal protein function. This variant has not been previously reported or functionally characterized in the literature to our knowledge. It is absent from the ExAC and gnomAD population databases and thus is presumed to be rare. Multiple splice prediction tools suggest this variant is likely interfere with normal splicing. Based on the available evidence, the c.2035-2A>G variant is classified as pathogenic.

Literature cited by the submitters: PubMed 16199547 (cited by Labcorp Genetics (formerly Invitae), Labcorp); PubMed 16783378 (cited by Labcorp Genetics (formerly Invitae), Labcorp); PubMed 18570303 (cited by Labcorp Genetics (formerly Invitae), Labcorp); PubMed 18799783 (cited by Labcorp Genetics (formerly Invitae), Labcorp); PubMed 22213678 (cited by Labcorp Genetics (formerly Invitae), Labcorp).